The following is an entry in ClinVar:

NM_007186.6(CEP250):c.6613G>A (p.Asp2205Asn)

Gene: CEP250 (centrosomal protein 250; plus strand). Cytogenetic location: 20q11.22.
Variant type: single nucleotide variant.
Coding change: c.6613G>A on transcript NM_007186.6 (MANE Select); coding-DNA position 6613, G replaced by A.
Protein change: p.Asp2205Asn; replaces aspartic acid 2205 with asparagine.
Molecular consequence: missense variant.
Genome position (GRCh38, 1-based): chr20:35,504,982, G>A. VCF-style: chr20-35504982-G-A. GRCh37 (hg19) VCF-style: chr20-34092810-G-A.
Other names: c.6613G>A (NM_007186.5); c.4717G>A, p.Asp1573Asn (NM_001318219.1); short protein forms D1573N, D2205N.
Identifiers: ClinVar variation 1475110 (VCV001475110.6), dbSNP rs370454182, ClinGen allele CA9834103.

ClinVar aggregate classification (germline): Uncertain significance. Review status: criteria provided, multiple submitters, no conflicts (2 of 4 stars). 2 submissions from 2 submitters: Uncertain significance (2). Last evaluated 2024-11-06.

Conditions:
CEP250-related disorder. Also called: CEP250-related condition.

Allele frequency attached by ClinVar (database versions not stated): gnomAD exomes below 0.00001 and 0.00002; TOPMed below 0.00001; ExAC 0.00001; gnomAD 0.00001.
gnomAD v4.1: 11 of 1,609,196 alleles (0.00068%); highest among the groups gnomAD compares: East Asian, 0.0045%; no homozygotes.

Submissions (2):

PreventionGenetics, part of Exact Sciences
Classification: Uncertain significance for CEP250-related condition. Last evaluated: 2024-11-06. Review status: criteria provided, single submitter. Criteria: ACMG Guidelines, 2015. Collection method: clinical testing. Allele origin: germline.
Comment: The CEP250 c.6613G>A variant is predicted to result in the amino acid substitution p.Asp2205Asn. To our knowledge, this variant has not been reported in the literature. This variant is reported in 0.022% of alleles in individuals of East Asian descent in gnomAD. At this time, the clinical significance of this variant is uncertain due to the absence of conclusive functional and genetic evidence.

Labcorp Genetics (formerly Invitae), Labcorp
Classification: Uncertain significance. Last evaluated: 2022-08-09. Review status: criteria provided, single submitter. Criteria: Invitae Variant Classification Sherloc (09022015). Collection method: clinical testing. Allele origin: germline.
Comment: This sequence change replaces aspartic acid, which is acidic and polar, with asparagine, which is neutral and polar, at codon 2205 of the CEP250 protein (p.Asp2205Asn). This variant is present in population databases (rs370454182, gnomAD 0.02%). This variant has not been reported in the literature in individuals affected with CEP250-related conditions. ClinVar contains an entry for this variant (Variation ID: 1475110). Algorithms developed to predict the effect of missense changes on protein structure and function output the following: SIFT: "Not Available"; PolyPhen-2: "Benign"; Align-GVGD: "Not Available". The asparagine amino acid residue is found in multiple mammalian species, which suggests that this missense change does not adversely affect protein function. In summary, the available evidence is currently insufficient to determine the role of this variant in disease. Therefore, it has been classified as a Variant of Uncertain Significance.